The following is an entry in ClinVar:

ClinVar aggregate classification (germline): Pathogenic (0 of 4 stars; one submission).

Conditions:
Fanconi anemia complementation group A (FANCA). Also called: Fanconi anemia, group A; FANCA-Related Fanconi Anemia. Identifiers: Orphanet 84, MedGen C3469521, MONDO:0009215, OMIM 227650.

Submission:

Leiden Open Variation Database
Classification: Pathogenic for Fanconi anemia complementation group A. Last evaluated: 2020-02-28. Review status: no assertion criteria provided. Collection method: curation. Allele origin: germline. Affected: yes.
Comment: Curator: Arleen D. Auerbach. Submitter to LOVD: Arleen D. Auerbach.

Literature cited by the submitters: PubMed 15523645.

NC_000016.10:g.(89811072_89814519)_(89814614_89815876)del

Gene: FANCA (FA complementation group A; minus strand). Cytogenetic location: 16q24.3.
Variant type: Deletion.
Identifiers: ClinVar variation 973982 (VCV000973982.1).